The following is an entry in ClinVar:

ClinVar aggregate classification (germline): Uncertain significance (1 of 4 stars; one submission).

Conditions:
Hereditary cancer-predisposing syndrome. Also called: Neoplastic Syndromes, Hereditary; Tumor predisposition; Hereditary Cancer Syndrome; Hereditary neoplastic syndrome. Identifiers: Orphanet 140162, MedGen C0027672, MeSH D009386, MONDO:0015356.

Submission:

Ambry Genetics
Classification: Uncertain significance for Hereditary cancer-predisposing syndrome. Last evaluated: 2026-01-13. Review status: criteria provided, single submitter. Criteria: Ambry Variant Classification Scheme 2023. Collection method: clinical testing. Allele origin: germline.
Comment: The c.1693dupG variant, located in coding exon 16 of the POLE gene, results from a duplication of G at nucleotide position 1693, causing a translational frameshift with a predicted alternate stop codon (p.A565Gfs*4). This alteration is expected to result in loss of function by premature protein truncation or nonsense-mediated mRNA decay. Although biallelic loss of function of POLE has been associated with autosomal recessive POLE deficiency, haploinsufficiency of POLE has not been established as a mechanism of disease for POLE-related polymerase proofreading-associated polyposis (PPAP) and POLE-related CMMRD-like syndrome. Based on the supporting evidence, this variant is expected to be causative of POLE deficiency when present along with a second pathogenic variant on the other allele; however, its clinical significance for PPAP and POLE-related CMMRD-like syndrome is unclear.

NM_006231.4(POLE):c.1693dup (p.Ala565fs)

Gene: POLE (DNA polymerase epsilon, catalytic subunit; minus strand). Cytogenetic location: 12q24.33.
Variant type: Duplication.
Coding change: c.1693dup on transcript NM_006231.4 (MANE Select); coding-DNA position 1693, one base duplicated (G; older notation c.1693dupG).
Protein change: p.Ala565fs; shifts the reading frame from alanine 565.
Molecular consequence: frameshift variant.
Genome position (GRCh38, 1-based): chr12:132,672,316, C duplicated on the plus strand (G on the coding strand, the reverse complement: POLE is on the minus strand). VCF-style (leftmost placement, unchanged base first): chr12-132672315-G-GC. GRCh37 (hg19) VCF-style: chr12-133248901-G-GC.
Other names: short protein forms A565fs.
Identifiers: ClinVar variation 4841512 (VCV004841512.1).